The following is an entry in ClinVar:

ClinVar aggregate classification (germline): Pathogenic (1 of 4 stars; one submission).

Conditions:
Inborn genetic diseases. Identifiers: MedGen C0950123, MeSH D030342.

Submission:

Ambry Genetics
Classification: Pathogenic for Inborn genetic diseases. Last evaluated: 2023-12-14. Review status: criteria provided, single submitter. Criteria: Ambry Variant Classification Scheme 2023. Collection method: clinical testing. Allele origin: germline.
Comment: The c.6155C>G (p.S2052*) alteration, located in exon 10 (coding exon 9) of the SACS gene, consists of a C to G substitution at nucleotide position 6155. This changes the amino acid from a serine (S) to a stop codon at amino acid position 2052. This alteration occurs at the 3' terminus of the SACS gene, is not expected to trigger nonsense-mediated mRNA decay, and impacts the last 55% of the protein. Premature stop codons are typically deleterious in nature, the impacted region is critical for protein function, and a significant portion of the protein is affected (Ambry internal data). This variant was not reported in population-based cohorts in the Genome Aggregation Database (gnomAD). Based on the available evidence, this alteration is classified as pathogenic.

NM_014363.6(SACS):c.6155C>G (p.Ser2052Ter)

Gene: SACS (sacsin molecular chaperone; minus strand). Cytogenetic location: 13q12.12.
Variant type: single nucleotide variant.
Coding change: c.6155C>G on transcript NM_014363.6 (MANE Select); coding-DNA position 6155, C replaced by G.
Protein change: p.Ser2052Ter; replaces serine 2052 with a stop codon.
Molecular consequence: nonsense.
Genome position (GRCh38, 1-based): chr13:23,337,721, G>C on the plus strand (C>G on the coding strand, the complement: SACS is on the minus strand). VCF-style: chr13-23337721-G-C. GRCh37 (hg19) VCF-style: chr13-23911860-G-C.
Other names: c.5714C>G, p.Ser1905Ter (NM_001278055.2); short protein forms S1905*, S2052*.
Identifiers: ClinVar variation 3157481 (VCV003157481.1), dbSNP rs2542254565, ClinGen allele CA387523781.